The following is an entry in ClinVar:

ClinVar aggregate classification (germline): Uncertain significance (1 of 4 stars; one submission).

Submission:

GeneDx
Classification: Uncertain significance. Last evaluated: 2024-05-04. Review status: criteria provided, single submitter. Criteria: GeneDx Variant Classification Process June 2021. Collection method: clinical testing. Allele origin: germline. Affected: yes.
Comment: Not observed at significant frequency in large population cohorts (gnomAD); In silico analysis indicates that this missense variant does not alter protein structure/function; Has not been previously published as pathogenic or benign to our knowledge

NM_001271.4(CHD2):c.5420C>G (p.Ser1807Cys)

Gene: CHD2 (chromodomain helicase DNA binding protein 2; plus strand). Cytogenetic location: 15q26.1.
Variant type: single nucleotide variant.
Coding change: c.5420C>G on transcript NM_001271.4 (MANE Select); coding-DNA position 5420, C replaced by G.
Protein change: p.Ser1807Cys; replaces serine 1807 with cysteine.
Molecular consequence: missense variant.
Genome position (GRCh38, 1-based): chr15:93,024,638, C>G. VCF-style: chr15-93024638-C-G. GRCh37 (hg19) VCF-style: chr15-93567868-C-G.
Other names: short protein forms S1807C.
Identifiers: ClinVar variation 3373390 (VCV003373390.1).